The following is an entry in ClinVar:

NM_001101.5(ACTB):c.1089C>T (p.Asp363=)

Gene: ACTB (actin beta; minus strand). Cytogenetic location: 7p22.1.
Variant type: single nucleotide variant.
Coding change: c.1089C>T on transcript NM_001101.5 (MANE Select); coding-DNA position 1089, C replaced by T.
Protein change: p.Asp363=; no amino-acid change (aspartic acid 363 retained).
Molecular consequence: synonymous variant.
Genome position (GRCh38, 1-based): chr7:5,527,787, G>A on the plus strand (C>T on the coding strand, the complement: ACTB is on the minus strand). VCF-style: chr7-5527787-G-A. GRCh37 (hg19) VCF-style: chr7-5567418-G-A.
Other names: c.1089C>T (LRG_132t1).
Identifiers: ClinVar variation 516169 (VCV000516169.46), dbSNP rs370848417, ClinGen allele CA4146838.

ClinVar aggregate classification (germline): Likely benign. Review status: criteria provided, multiple submitters, no conflicts (2 of 4 stars). 5 submissions from 5 submitters: Likely benign (4). 1 of the submissions does not count toward it. Last evaluated 2026-01-26.

Conditions:
Baraitser-Winter syndrome 1 (BRWS1). Also called: BARAITSER-WINTER SYNDROME 1, ATYPICAL; PACHYGYRIA, MENTAL RETARDATION, EPILEPSY, AND CHARACTERISTIC FACIES; MENTAL RETARDATION WITH EPILEPSY AND CHARACTERISTIC FACIES; Cerebrofrontofacial syndrome. Identifiers: Orphanet 2649, Orphanet 2995, MedGen C1855722, MONDO:0009470, OMIM 243310.
ACTB-related disorder. Also called: ACTB-related disorders; ACTB-related condition.

Allele frequency attached by ClinVar (database versions not stated): TOPMed 0.00009; gnomAD exomes 0.00011 and 0.00012; ESP Exome Variant Server 0.00015; gnomAD 0.00015 and 0.00016; ExAC 0.00020.
gnomAD v4.1: 191 of 1,613,902 alleles (0.012%); highest among the groups gnomAD compares: Middle Eastern, 0.017%; no homozygotes.

Submissions (5):

Labcorp Genetics (formerly Invitae), Labcorp
Classification: Likely benign for Baraitser-Winter syndrome 1. Last evaluated: 2026-01-26. Review status: criteria provided, single submitter. Criteria: Invitae Variant Classification Sherloc (09022015). Collection method: clinical testing. Allele origin: germline.

Blueprint Genetics
Classification: Likely benign. Last evaluated: 2024-11-11. Review status: criteria provided, single submitter. Criteria: ACMG Guidelines, 2015. Collection method: clinical testing. Allele origin: germline.

CeGaT Center for Human Genetics Tuebingen
Classification: Likely benign. Last evaluated: 2023-06-01. Review status: criteria provided, single submitter. Criteria: CeGaT Center For Human Genetics Tuebingen Variant Classification Criteria Version 2. Collection method: clinical testing. Allele origin: germline. Affected: yes. Observed: 2 variant alleles.
Comment: ACTB: BP4

GeneDx
Classification: Likely benign. Last evaluated: 2018-05-31. Review status: criteria provided, single submitter. Criteria: GeneDx Variant Classification Process June 2021. Collection method: clinical testing. Allele origin: germline. Affected: yes.

PreventionGenetics, part of Exact Sciences
Classification: Likely benign for ACTB-related condition. Last evaluated: 2019-08-12. Review status: no assertion criteria provided. Collection method: clinical testing. Allele origin: germline. Not counted in ClinVar's aggregate classification.
Comment: This variant is classified as likely benign based on ACMG/AMP sequence variant interpretation guidelines (Richards et al. 2015 PMID: 25741868, with internal and published modifications).